The following is an entry in ClinVar:

NM_000277.3(PAH):c.510-19_667del

Gene: PAH (phenylalanine hydroxylase; minus strand). Cytogenetic location: 12q23.2.
Variant type: Deletion.
Coding change: c.510-19_667del on transcript NM_000277.3 (MANE Select); 19 bases into the intron before coding-DNA position 510 through coding-DNA position 667, 177 bases deleted.
Molecular consequence: splice acceptor variant.
Genome position (GRCh38, 1-based): chr12:102,855,175-102,855,351, 177 bases deleted. GRCh37 (hg19): chr12:103,248,955-103,249,131.
Other names: NM_000277.1:c.510-19_667del; c.510-19_667del (NM_001354304.2).
Identifiers: ClinVar variation 2682169 (VCV002682169.1), dbSNP rs2499625936, ClinGen allele CA16020833.

ClinVar aggregate classification (germline): Pathogenic (3 of 4 stars; one submission).

Conditions:
Phenylketonuria (PKU). Also called: Phenylketonurias; FOLLING DISEASE; OLIGOPHRENIA PHENYLPYRUVICA; Phenylketonuria (PKU). Identifiers: Orphanet 716, MedGen C0031485, MONDO:0009861, OMIM 261600. Disease mechanism: loss of function.

Submission:

ClinGen PAH Variant Curation Expert Panel
Classification: Pathogenic for Phenylketonuria. Last evaluated: 2023-12-30. Review status: reviewed by expert panel. Criteria: ClinGen PAH ACMG Specifications v1. Collection method: curation. Allele origin: germline. Inheritance: Autosomal recessive inheritance.
Comment: The c.510-19_667del variant in PAH involves part of exon 6, predicted to result in frameshift and NMD (PVS1). It has been reported in 1 individual with PKU. (PP4; PMID: 23842451). This variant is absent from gnomAD (PM2_supporting). This variant was detected with p.G272* (Pathogenic in ClinVar; PM3). In summary, this variant meets criteria to be classified as pathogenic for PAH. PAH-specific ACMG/AMP criteria applied: PVS1, PM2_supporting, PM3_supporting, PP4.

Literature cited by the submitters: PubMed 23842451.